The following is an entry in ClinVar:

NM_001128148.3(TFRC):c.687+9A>G

Gene: TFRC (transferrin receptor; minus strand). Cytogenetic location: 3q29.
Variant type: single nucleotide variant.
Coding change: c.687+9A>G on transcript NM_001128148.3 (MANE Select); 9 bases into the intron after coding-DNA position 687, A replaced by G.
Molecular consequence: intron variant.
Genome position (GRCh38, 1-based): chr3:196,071,387, T>C on the plus strand (A>G on the coding strand, the complement: TFRC is on the minus strand). VCF-style: chr3-196071387-T-C. GRCh37 (hg19) VCF-style: chr3-195798258-T-C.
Other names: p.?; c.-160+9A>G (NM_001313966.2); c.444+9A>G (NM_001313965.2); c.687+9A>G (NM_003234.4).
Identifiers: ClinVar variation 1164901 (VCV001164901.19), dbSNP rs480760, ClinGen allele CA2778229.

ClinVar aggregate classification (germline): Benign/Likely benign. Review status: criteria provided, multiple submitters, no conflicts (2 of 4 stars). 8 submissions from 8 submitters: Benign (7); Likely benign (1). Last evaluated 2026-02-04.

Conditions:
TFRC-related combined immunodeficiency. Also called: Immunodeficiency 46. Identifiers: Orphanet 476113, MedGen C5568133, MONDO:0014760, OMIM 616740.

Allele frequency attached by ClinVar (database versions not stated): ESP Exome Variant Server 0.88567; 1000 Genomes Project 30x 0.88648; TOPMed 0.88753; gnomAD 0.89339 and 0.89964; 1000 Genomes Project 0.89417; ExAC 0.94968; gnomAD exomes 0.95369 and 0.96032.
gnomAD v4.1: 1,537,717 of 1,611,512 alleles (95%); highest among the groups gnomAD compares: East Asian, 100%; 735,999 homozygotes.

Submissions (10):

Labcorp Genetics (formerly Invitae), Labcorp
Classification: Benign. Last evaluated: 2026-02-04. Review status: criteria provided, single submitter. Criteria: Invitae Variant Classification Sherloc (09022015). Collection method: clinical testing. Allele origin: germline.

Women's Health and Genetics/Laboratory Corporation of America, LabCorp
Classification: Benign. Last evaluated: 2026-01-21. Review status: criteria provided, single submitter. Criteria: LabCorp Variant Classification Summary - May 2015. Collection method: clinical testing. Allele origin: germline.

Blueprint Genetics
Classification: Likely benign. Last evaluated: 2024-11-26. Review status: criteria provided, single submitter. Criteria: ACMG Guidelines, 2015. Collection method: clinical testing. Allele origin: germline.

Unidad de Genómica Garrahan, Hospital de Pediatría Garrahan
Classification: Benign. Last evaluated: 2023-11-12. Review status: criteria provided, single submitter. Criteria: ACMG Guidelines, 2015. Collection method: clinical testing. Allele origin: germline. Affected: no. Observed: 96 variant alleles.
Comment: This variant is classified as Benign based on local population frequency. This variant was detected in 100% of patients studied by a panel of primary immunodeficiencies. Number of patients: 96. Only high quality variants are reported.

Mayo Clinic Laboratories, Mayo Clinic
Classification: Benign. Last evaluated: 2022-09-06. Review status: criteria provided, single submitter. Criteria: ACMG Guidelines, 2015. Collection method: clinical testing. Allele origin: germline. Observed: 4 variant alleles.

Genome-Nilou Lab
Classification: Benign for TFRC-related combined immunodeficiency. Last evaluated: 2021-09-10. Review status: criteria provided, single submitter. Criteria: ACMG Guidelines, 2015. Collection method: clinical testing. Allele origin: germline. Affected: no.

GeneDx
Classification: Benign. Last evaluated: 2021-06-19. Review status: criteria provided, single submitter. Criteria: GeneDx Variant Classification Process June 2021. Collection method: clinical testing. Allele origin: germline. Affected: yes.

Breakthrough Genomics
Classification: Benign. Review status: criteria provided, single submitter. Criteria: ACMG Guidelines, 2015. Collection method: not provided. Allele origin: germline. Inheritance: Autosomal recessive inheritance. Affected: yes.

Dr. Peter K. Rogan Lab, Western University
No classification provided (evidence only). Condition: Hepatocellular carcinoma. Review status: no classification provided. Collection method: in vitro. Allele origin: not applicable. Functional consequence: skipped exon. Not counted in ClinVar's aggregate classification.

Dr. Peter K. Rogan Lab, Western University
No classification provided (evidence only). Condition: Hepatocellular carcinoma. Review status: no classification provided. Collection method: in vitro. Allele origin: not applicable. Functional consequence: retained intron. Not counted in ClinVar's aggregate classification.